The following is an entry in ClinVar:

ClinVar aggregate classification (germline): Uncertain significance. Review status: criteria provided, multiple submitters, no conflicts (2 of 4 stars). 3 submissions from 3 submitters: Uncertain significance (3). Last evaluated 2024-02-05.

Conditions:
Inborn genetic diseases. Identifiers: MedGen C0950123, MeSH D030342.
Type A2 brachydactyly (BDA2). Also called: BRACHYMESOPHALANGY II; Brachymesophalangy type 2; MOHR-WRIEDT TYPE BRACHYDACTYLY. Identifiers: Orphanet 93396, MedGen C1832702, MONDO:0007216, OMIM 112600, HP:0009372.

Allele frequency attached by ClinVar (database versions not stated): gnomAD exomes 0.00001; TOPMed 0.00002; gnomAD 0.00003.
gnomAD v4.1: 19 of 1,552,962 alleles (0.0012%); highest among the groups gnomAD compares: African/African-American, 0.0095%; no homozygotes.

Submissions (3):

Ambry Genetics
Classification: Uncertain significance for Inborn genetic diseases. Last evaluated: 2024-02-05. Review status: criteria provided, single submitter. Criteria: Ambry Variant Classification Scheme 2023. Collection method: clinical testing. Allele origin: germline.

Labcorp Genetics (formerly Invitae), Labcorp
Classification: Uncertain significance. Last evaluated: 2023-08-27. Review status: criteria provided, single submitter. Criteria: Invitae Variant Classification Sherloc (09022015). Collection method: clinical testing. Allele origin: germline.
Comment: This sequence change replaces arginine, which is basic and polar, with cysteine, which is neutral and slightly polar, at codon 6 of the BMP2 protein (p.Arg6Cys). The frequency data for this variant in the population databases is considered unreliable, as metrics indicate poor data quality at this position in the gnomAD database. This variant has not been reported in the literature in individuals affected with BMP2-related conditions. ClinVar contains an entry for this variant (Variation ID: 850711). An algorithm developed to predict the effect of missense changes on protein structure and function (PolyPhen-2) suggests that this variant is likely to be tolerated. In summary, the available evidence is currently insufficient to determine the role of this variant in disease. Therefore, it has been classified as a Variant of Uncertain Significance.

Baylor Genetics
Classification: Uncertain significance for Type A2 brachydactyly. Last evaluated: 2018-12-07. Review status: criteria provided, single submitter. Criteria: ACMG Guidelines, 2015. Collection method: clinical testing. Allele origin: paternal. Affected: yes.
Comment: This variant was determined to be of uncertain significance according to ACMG Guidelines, 2015 [PMID:25741868].

NM_001200.4(BMP2):c.16C>T (p.Arg6Cys)

Gene: BMP2 (bone morphogenetic protein 2; plus strand). Cytogenetic location: 20p12.3.
Variant type: single nucleotide variant.
Coding change: c.16C>T on transcript NM_001200.4 (MANE Select); coding-DNA position 16, C replaced by T.
Protein change: p.Arg6Cys; replaces arginine 6 with cysteine.
Molecular consequence: missense variant.
Genome position (GRCh38, 1-based): chr20:6,770,142, C>T. VCF-style: chr20-6770142-C-T. GRCh37 (hg19) VCF-style: chr20-6750789-C-T.
Other names: short protein forms R6C.
Identifiers: ClinVar variation 850711 (VCV000850711.12), dbSNP rs961599421, ClinGen allele CA311471095.